The following is an entry in ClinVar:

ClinVar aggregate classification (germline): Pathogenic. Review status: reviewed by expert panel (3 of 4 stars). 2 submissions from 2 submitters: Pathogenic (1). 1 of the submissions does not count toward it. Last evaluated 2020-10-30.

Conditions:
Phenylketonuria (PKU). Also called: Phenylketonuria (PKU); FOLLING DISEASE; OLIGOPHRENIA PHENYLPYRUVICA; Phenylketonurias. Identifiers: Orphanet 716, MedGen C0031485, MONDO:0009861, OMIM 261600. Disease mechanism: loss of function.

Submissions (2):

ClinGen PAH Variant Curation Expert Panel
Classification: Pathogenic for Phenylketonuria. Last evaluated: 2020-10-30. Review status: reviewed by expert panel. Criteria: ClinGen PAH ACMG Specifications v1. Collection method: curation. Allele origin: germline. Inheritance: Autosomal recessive inheritance.
Comment: BH4 deficiency not excluded (PP4_Moderate). This variant was detected with R408W, reported as Pathogenic in ClinVar, phase not confirmed (0.5 points; PM3_Supporting). This frameshift variant is predicted to undergo NMD, not located in last exon or last 50bp of preliminary exon. Coding exon number 10 out of 13 coding exons (10 out of total exons) (PVS1), and is absent from population databases (PM2). In summary, this variant meets criteria to be classified as pathogenic for PAH. PAH-specific ACMG/AMP criteria applied: PVS1, PM2, PP4, PM3_Supporting.

DeBelle Laboratory for Biochemical Genetics, MUHC/MCH RESEARCH INSTITUTE
No classification provided. Review status: no classification provided. Collection method: not provided. Allele origin: not provided. Not counted in ClinVar's aggregate classification.

Literature cited by the submitters: PubMed 11328945 (cited by ClinGen PAH Variant Curation Expert Panel); PubMed 9781015 (cited by ClinGen PAH Variant Curation Expert Panel).

NM_000277.3(PAH):c.1043_1053del (p.Leu348fs)

Gene: PAH (phenylalanine hydroxylase; minus strand). Cytogenetic location: 12q23.2.
Variant type: Deletion.
Coding change: c.1043_1053del on transcript NM_000277.3 (MANE Select); coding-DNA positions 1043 to 1053, 11 bases deleted (TGTCATCCTTT).
Protein change: p.Leu348fs; shifts the reading frame from leucine 348.
Molecular consequence: frameshift variant.
Genome position (GRCh38, 1-based): chr12:102,844,348-102,844,358, AAAGGATGACA deleted on the plus strand (TGTCATCCTTT on the coding strand, the reverse complement: PAH is on the minus strand). VCF-style (leftmost placement, unchanged base first): chr12-102844347-CAAAGGATGACA-C. GRCh37 (hg19) VCF-style: chr12-103238125-CAAAGGATGACA-C.
Other names: c.1043_1053del, p.Leu348fs (NM_001354304.2); short protein forms L348fs.
Identifiers: ClinVar variation 102489 (VCV000102489.2), dbSNP rs199475600, ClinGen allele CA229297.
Genomic context (GRCh38, chr12:102,844,347, plus strand): 5'-CTGTACCCACCACTTTTAAATCTATCCTTGGTTCCTGTGAAGGTCATACCTGTAATTCAC[CAAAGGATGACA>C]GGAGCCCAGCACCATATGCCTTTATGGAGTCTCCTTGTTTGCAGAGCCCAAACTCCACAG-3'